The following is an entry in ClinVar:

NM_000059.4(BRCA2):c.8947dup (p.Asp2983fs)

Gene: BRCA2 (BRCA2 DNA repair associated; plus strand). Cytogenetic location: 13q13.1.
Variant type: Duplication.
Coding change: c.8947dup on transcript NM_000059.4 (MANE Select); coding-DNA position 8947, one base duplicated (G; older notation c.8947dupG).
Protein change: p.Asp2983fs; shifts the reading frame from aspartic acid 2983.
Molecular consequence: frameshift variant.
Genome position (GRCh38, 1-based): chr13:32,379,509, G duplicated. VCF-style (leftmost placement, unchanged base first): chr13-32379508-A-AG. GRCh37 (hg19) VCF-style: chr13-32953645-A-AG.
Other names: 9175dupG-ter3017; short protein forms D2983fs.
Identifiers: ClinVar variation 267122 (VCV000267122.5), dbSNP rs886040805, ClinGen allele CA10589531.

ClinVar aggregate classification (germline): Pathogenic. Review status: reviewed by expert panel (3 of 4 stars). 2 submissions from 2 submitters: Pathogenic (1). 1 of the submissions does not count toward it. Last evaluated 2016-10-18.

Conditions:
Breast-ovarian cancer, familial, susceptibility to, 2 (BROVCA2). Also called: BRCA2 Hereditary Breast and Ovarian Cancer. Identifiers: Orphanet 145, MedGen C2675520, MONDO:0012933, OMIM 612555. Disease mechanism: loss of function.

Submissions (2):

Evidence-based Network for the Interpretation of Germline Mutant Alleles (ENIGMA)
Classification: Pathogenic for Breast-ovarian cancer, familial, susceptibility to, 2. Last evaluated: 2016-10-18. Review status: reviewed by expert panel. Criteria: ENIGMA BRCA1/2 Classification Criteria (2015). Collection method: curation. Allele origin: germline.
Comment: Variant allele predicted to encode a truncated non-functional protein.

Consortium of Investigators of Modifiers of BRCA1/2 (CIMBA), c/o University of Cambridge
Classification: Pathogenic for Breast-ovarian cancer, familial, susceptibility to, 2. Last evaluated: 2015-10-02. Review status: criteria provided, single submitter. Criteria: CIMBA Mutation Classification guidelines May 2016. Collection method: clinical testing. Allele origin: germline. Not counted in ClinVar's aggregate classification.